The following is an entry in ClinVar:

ClinVar aggregate classification (germline): Uncertain significance (1 of 4 stars; one submission).

Allele frequency attached by ClinVar (database versions not stated): ExAC 0.00001; gnomAD 0.00001; gnomAD exomes 0.00001 and 0.00002; TOPMed 0.00004.
gnomAD v4.1: 15 of 1,613,646 alleles (0.00093%); highest among the groups gnomAD compares: Admixed American, 0.0033%; no homozygotes.

Submission:

Labcorp Genetics (formerly Invitae), Labcorp
Classification: Uncertain significance. Last evaluated: 2022-03-04. Review status: criteria provided, single submitter. Criteria: Invitae Variant Classification Sherloc (09022015). Collection method: clinical testing. Allele origin: germline.
Comment: This sequence change replaces isoleucine, which is neutral and non-polar, with threonine, which is neutral and polar, at codon 2139 of the VCAN protein (p.Ile2139Thr). This variant is present in population databases (rs747315508, gnomAD 0.003%). This variant has not been reported in the literature in individuals affected with VCAN-related conditions. Algorithms developed to predict the effect of missense changes on protein structure and function output the following: SIFT: "Tolerated"; PolyPhen-2: "Benign"; Align-GVGD: "Class C0". The threonine amino acid residue is found in multiple mammalian species, which suggests that this missense change does not adversely affect protein function. In summary, the available evidence is currently insufficient to determine the role of this variant in disease. Therefore, it has been classified as a Variant of Uncertain Significance.

NM_004385.5(VCAN):c.6416T>C (p.Ile2139Thr)

Genes: VCAN (versican; plus strand), VCAN-AS1 (VCAN antisense RNA 1; minus strand). Cytogenetic location: 5q14.3.
Variant type: single nucleotide variant.
Coding change: c.6416T>C on transcript NM_004385.5 (MANE Select); coding-DNA position 6416, T replaced by C.
Protein change: p.Ile2139Thr; replaces isoleucine 2139 with threonine.
Molecular consequence: missense variant. On other transcripts: intron variant (2).
Genome position (GRCh38, 1-based): chr5:83,539,419, T>C. VCF-style: chr5-83539419-T-C. GRCh37 (hg19) VCF-style: chr5-82835238-T-C.
Other names: c.3455T>C, p.Ile1152Thr (NM_001164097.2); c.4004-6118T>C (NM_001164098.2); c.1043-6118T>C (NM_001126336.3); short protein forms I1152T, I2139T.
Identifiers: ClinVar variation 1492443 (VCV001492443.6), dbSNP rs747315508, ClinGen allele CA3333477.